The following is an entry in ClinVar:

NM_182931.3(KMT2E):c.3404_3405delinsTT (p.Arg1135Leu)

Gene: KMT2E (lysine methyltransferase 2E (inactive); plus strand). Cytogenetic location: 7q22.3.
Variant type: Indel.
Coding change: c.3404_3405delinsTT on transcript NM_182931.3 (MANE Select); coding-DNA positions 3404 to 3405, GG replaced by TT.
Protein change: p.Arg1135Leu; replaces arginine 1135 with leucine.
Molecular consequence: missense variant.
Genome position (GRCh38, 1-based): chr7:105,107,861-105,107,862, GG replaced by TT. VCF-style: chr7-105107861-GG-TT. GRCh37 (hg19) VCF-style: chr7-104748308-GG-TT.
Other names: c.3404_3405delinsTT, p.Arg1135Leu (NM_001410908.1, NM_018682.4); short protein forms R1135L.
Identifiers: ClinVar variation 3360742 (VCV003360742.1).

ClinVar aggregate classification (germline): Uncertain significance (1 of 4 stars; one submission).

Submission:

GeneDx
Classification: Uncertain significance. Last evaluated: 2023-06-30. Review status: criteria provided, single submitter. Criteria: GeneDx Variant Classification Process June 2021. Collection method: clinical testing. Allele origin: germline. Affected: yes.
Comment: In silico analysis supports that this variant does not alter protein structure/function; In silico analysis suggests this variant may impact gene splicing. In the absence of RNA/functional studies, the actual effect of this sequence change is unknown.; Has not been previously published as pathogenic or benign to our knowledge